The following is an entry in ClinVar:

ClinVar aggregate classification (germline): Uncertain significance. Review status: criteria provided, multiple submitters, no conflicts (2 of 4 stars). 2 submissions from 2 submitters: Uncertain significance (2). Last evaluated 2023-05-19.

Conditions:
Spastic paraplegia. Identifiers: MedGen C0037772, HP:0001258.

Allele frequency attached by ClinVar (database versions not stated): gnomAD 0.00008 and 0.00009; TOPMed 0.00008; gnomAD exomes 0.00012 and 0.00020; ExAC 0.00024.
gnomAD v4.1: 183 of 1,610,696 alleles (0.011%); highest among the groups gnomAD compares: South Asian, 0.12%; no homozygotes.

Submissions (2):

Labcorp Genetics (formerly Invitae), Labcorp
Classification: Uncertain significance for Spastic paraplegia. Last evaluated: 2023-05-19. Review status: criteria provided, single submitter. Criteria: Invitae Variant Classification Sherloc (09022015). Collection method: clinical testing. Allele origin: germline.
Comment: An algorithm developed to predict the effect of missense changes on protein structure and function (PolyPhen-2) suggests that this variant is likely to be disruptive. ClinVar contains an entry for this variant (Variation ID: 434240). This variant has not been reported in the literature in individuals affected with AP4E1-related conditions. This variant is present in population databases (rs200678853, gnomAD 0.1%). This sequence change replaces alanine, which is neutral and non-polar, with valine, which is neutral and non-polar, at codon 475 of the AP4E1 protein (p.Ala475Val). In summary, the available evidence is currently insufficient to determine the role of this variant in disease. Therefore, it has been classified as a Variant of Uncertain Significance.

Genetic Services Laboratory, University of Chicago
Classification: Uncertain significance. Last evaluated: 2015-10-07. Review status: criteria provided, single submitter. Criteria: ACMG Guidelines, 2015. Collection method: clinical testing. Allele origin: germline. Affected: no.

NM_007347.5(AP4E1):c.1424C>T (p.Ala475Val)

Gene: AP4E1 (adaptor related protein complex 4 subunit epsilon 1; plus strand). Cytogenetic location: 15q21.2.
Variant type: single nucleotide variant.
Coding change: c.1424C>T on transcript NM_007347.5 (MANE Select); coding-DNA position 1424, C replaced by T.
Protein change: p.Ala475Val; replaces alanine 475 with valine.
Molecular consequence: missense variant.
Genome position (GRCh38, 1-based): chr15:50,949,933, C>T. VCF-style: chr15-50949933-C-T. GRCh37 (hg19) VCF-style: chr15-51242130-C-T.
Other names: c.1199C>T, p.Ala400Val (NM_001252127.2); short protein forms A475V, A400V.
Identifiers: ClinVar variation 434240 (VCV000434240.7), dbSNP rs200678853, ClinGen allele CA7559060.
Genomic context (GRCh38, chr15:50,949,933, plus strand): 5'-TTTCAGTAGGAGGAGATGTAATGCATCCTGATATTCCCAATAACTTTCTGAGACTACTAG[C>T]GGAAGGTTGGTACACTATTATATTCTGTAAAGTAAACATTTTAAAGTTTAATGTTTTTAT-3'
Protein context (NP_031373.2, residues 465-485): DIPNNFLRLL[Ala475Val]EGFDDETEDQ